The following is an entry in ClinVar:

NM_006205.3(PDE6H):c.124G>A (p.Gly42Ser)

Gene: PDE6H (phosphodiesterase 6H; plus strand). Cytogenetic location: 12p12.3.
Variant type: single nucleotide variant.
Coding change: c.124G>A on transcript NM_006205.3 (MANE Select); coding-DNA position 124, G replaced by A.
Protein change: p.Gly42Ser; replaces glycine 42 with serine.
Molecular consequence: missense variant.
Genome position (GRCh38, 1-based): chr12:14,978,136, G>A. VCF-style: chr12-14978136-G-A. GRCh37 (hg19) VCF-style: chr12-15131070-G-A.
Other names: short protein forms G42S.
Identifiers: ClinVar variation 1953021 (VCV001953021.2), dbSNP rs757042616, ClinGen allele CA6465855.

ClinVar aggregate classification (germline): Uncertain significance (1 of 4 stars; one submission).

Allele frequency attached by ClinVar (database versions not stated): TOPMed below 0.00001.
gnomAD v4.1: 4 of 1,613,584 alleles (0.00025%); highest among the groups gnomAD compares: Admixed American, 0.0067%; no homozygotes.

Submission:

Labcorp Genetics (formerly Invitae), Labcorp
Classification: Uncertain significance. Last evaluated: 2022-08-05. Review status: criteria provided, single submitter. Criteria: Invitae Variant Classification Sherloc (09022015). Collection method: clinical testing. Allele origin: germline.
Comment: This sequence change replaces glycine, which is neutral and non-polar, with serine, which is neutral and polar, at codon 42 of the PDE6H protein (p.Gly42Ser). This variant is present in population databases (rs757042616, gnomAD 0.01%). This variant has not been reported in the literature in individuals affected with PDE6H-related conditions. Algorithms developed to predict the effect of missense changes on protein structure and function (SIFT, PolyPhen-2, Align-GVGD) all suggest that this variant is likely to be disruptive. In summary, the available evidence is currently insufficient to determine the role of this variant in disease. Therefore, it has been classified as a Variant of Uncertain Significance.